The following is an entry in ClinVar:

NM_000821.7(GGCX):c.974G>A (p.Arg325Gln)

Gene: GGCX (gamma-glutamyl carboxylase; minus strand). Cytogenetic location: 2p11.2.
Variant type: single nucleotide variant.
Coding change: c.974G>A on transcript NM_000821.7 (MANE Select); coding-DNA position 974, G replaced by A.
Protein change: p.Arg325Gln; replaces arginine 325 with glutamine.
Molecular consequence: missense variant.
Genome position (GRCh38, 1-based): chr2:85,553,413, C>T on the plus strand (G>A on the coding strand, the complement: GGCX is on the minus strand). VCF-style: chr2-85553413-C-T. GRCh37 (hg19) VCF-style: chr2-85780536-C-T.
Other names: c.803G>A, p.Arg268Gln (NM_001142269.4); short protein forms R325Q, R268Q.
Identifiers: ClinVar variation 337268 (VCV000337268.15), dbSNP rs699664, ClinGen allele CA1741955.

ClinVar aggregate classification (germline): Benign/Likely benign. Review status: criteria provided, multiple submitters, no conflicts (2 of 4 stars). 5 submissions from 5 submitters: Benign (4); Likely benign (1). Last evaluated 2026-02-04.

Conditions:
Vitamin K-dependent clotting factors, combined deficiency of, type 1. Also called: FACTORS II, VII, IX, AND X, COMBINED DEFICIENCY OF; FAMILIAL MULTIPLE COAGULATION FACTOR DEFICIENCY III; FMFD III; GLUTAMIC ACID, DEFICIENT GAMMA-CARBOXYLATION OF; MULTIPLE COAGULATION FACTOR DEFICIENCY III; VITAMIN K-DEPENDENT COAGULATION DEFECT. Identifiers: Orphanet 98434, MedGen C1848534, MONDO:0010187, OMIM 277450.

Allele frequency attached by ClinVar (database versions not stated): gnomAD exomes 0.31026 and 0.32123; ExAC 0.31979; 1000 Genomes Project 0.37780; 1000 Genomes Project 30x 0.38195; gnomAD 0.39930 and 0.41038; TOPMed 0.40725; ESP Exome Variant Server 0.41919.
gnomAD v4.1: 530,539 of 1,613,492 alleles (33%); highest among the groups gnomAD compares: African/African-American, 62%; 92,245 homozygotes.

Submissions (5):

Labcorp Genetics (formerly Invitae), Labcorp
Classification: Benign. Last evaluated: 2026-02-04. Review status: criteria provided, single submitter. Criteria: Invitae Variant Classification Sherloc (09022015). Collection method: clinical testing. Allele origin: germline.

Mayo Clinic Laboratories, Mayo Clinic
Classification: Likely benign. Last evaluated: 2023-10-02. Review status: criteria provided, single submitter. Criteria: ACMG Guidelines, 2015. Collection method: clinical testing. Allele origin: germline. Observed: 69 variant alleles.
Comment: BA1, BS1, BP4, PM1

GeneDx
Classification: Benign. Last evaluated: 2018-07-05. Review status: criteria provided, single submitter. Criteria: GeneDx Variant Classification Process June 2021. Collection method: clinical testing. Allele origin: germline. Affected: yes.
Comment: This variant is associated with the following publications: (PMID: 24231026, 21704322, 17029979, 30981116, 33507293)

Illumina Laboratory Services, Illumina
Classification: Benign for Vitamin K-dependent clotting factors, combined deficiency of, type 1. Last evaluated: 2018-03-06. Review status: criteria provided, single submitter. Criteria: ICSL Variant Classification Criteria 13 December 2019. Collection method: clinical testing. Allele origin: germline.
Comment: This variant was observed in the ICSL laboratory as part of a predisposition screen in an ostensibly healthy population. It had not been previously curated by ICSL or reported in the Human Gene Mutation Database (HGMD: prior to June 1st, 2018), and was therefore a candidate for classification through an automated scoring system. Utilizing variant allele frequency, disease prevalence and penetrance estimates, and inheritance mode, an automated score was calculated to assess if this variant is too frequent to cause the disease. Based on the score and internal cut-off values, a variant classified as benign is not then subjected to further curation. The score for this variant resulted in a classification of benign for this disease.

Breakthrough Genomics
Classification: Benign. Review status: criteria provided, single submitter. Criteria: ACMG Guidelines, 2015. Collection method: not provided. Allele origin: germline. Inheritance: Autosomal recessive inheritance. Affected: yes.